The following is an entry in ClinVar:

NC_000023.10:g.(?_53222149)_(54497940_?)dup

Genes: FAM120C (family with sequence similarity 120 member C; minus strand), FGD1 (FYVE, RhoGEF and PH domain containing 1; minus strand), HSD17B10 (hydroxysteroid 17-beta dehydrogenase 10; minus strand), HUWE1 (HECT, UBA and WWE domain containing E3 ubiquitin protein ligase 1; minus strand), IQSEC2 (IQ motif and Sec7 domain ArfGEF 2; minus strand) and 8 more. Cytogenetic location: Xp11.22.
Variant type: Duplication.
Identifiers: ClinVar variation 1411202 (VCV001411202.4).

ClinVar aggregate classification (germline): Uncertain significance (1 of 4 stars; one submission).

Submission:

Labcorp Genetics (formerly Invitae), Labcorp
Classification: Uncertain significance. Last evaluated: 2022-02-23. Review status: criteria provided, single submitter. Criteria: Invitae Variant Classification Sherloc (09022015). Collection method: clinical testing. Allele origin: germline.
Comment: A copy number gain of the genomic region encompassing the full coding sequence of the HSD17B10 gene has been identified. The boundaries of this event are unknown as they extend beyond the assayed region for this gene and therefore may encompass additional genes. As the precise location of this event is unknown, it may be in tandem or it may be located elsewhere in the genome. This variant has not been reported in the literature in individuals affected with HSD17B10-related conditions. In summary, the available evidence is currently insufficient to determine the role of this variant in disease. Therefore, it has been classified as a Variant of Uncertain Significance.